The following is an entry in ClinVar:

NM_000891.3(KCNJ2):c.550G>A (p.Ala184Thr)

Gene: KCNJ2 (potassium inwardly rectifying channel subfamily J member 2; plus strand). Cytogenetic location: 17q24.3.
Variant type: single nucleotide variant.
Coding change: c.550G>A on transcript NM_000891.3 (MANE Select); coding-DNA position 550, G replaced by A.
Protein change: p.Ala184Thr; replaces alanine 184 with threonine.
Molecular consequence: missense variant.
Genome position (GRCh38, 1-based): chr17:70,175,589, G>A. VCF-style: chr17-70175589-G-A. GRCh37 (hg19) VCF-style: chr17-68171730-G-A.
Other names: short protein forms A184T.
Identifiers: ClinVar variation 4090490 (VCV004090490.1).
Genomic context (GRCh38, chr17:70,175,589, plus strand): 5'-CAGTCAATCGTGGGCTGCATCATCGATGCTTTCATCATTGGCGCAGTCATGGCCAAGATG[G>A]CAAAGCCAAAGAAGAGAAACGAGACTCTTGTCTTCAGTCACAATGCCGTGATTGCCATGA-3'
Protein context (NP_000882.1, residues 174-194): FIIGAVMAKM[Ala184Thr]KPKKRNETLV

ClinVar aggregate classification (germline): Uncertain significance (1 of 4 stars; one submission).

Conditions:
Cardiovascular phenotype. Identifiers: MedGen CN230736.

Submission:

Ambry Genetics
Classification: Uncertain significance for Cardiovascular phenotype. Last evaluated: 2025-09-03. Review status: criteria provided, single submitter. Criteria: Ambry Variant Classification Scheme 2023. Collection method: clinical testing. Allele origin: germline.
Comment: The p.A184T variant (also known as c.550G>A), located in coding exon 1 of the KCNJ2 gene, results from a G to A substitution at nucleotide position 550. The alanine at codon 184 is replaced by threonine, an amino acid with similar properties. This amino acid position is highly conserved in available vertebrate species. In addition, this alteration is predicted to be deleterious by in silico analysis. Based on the available evidence, the clinical significance of this variant remains unclear.